The following is an entry in ClinVar:

ClinVar aggregate classification (germline): Uncertain significance. Review status: criteria provided, multiple submitters, no conflicts (2 of 4 stars). 4 submissions from 4 submitters: Uncertain significance (3). 1 of the submissions does not count toward it. Last evaluated 2022-10-05.

Conditions:
BBS7-related disorder. Also called: BBS7-related condition.
Bardet-Biedl syndrome 7 (BBS7). Identifiers: Orphanet 110, MedGen C1859565, MONDO:0014435, OMIM 615984.
Bardet-Biedl syndrome (BBS). Identifiers: Orphanet 110, MedGen C0752166, MONDO:0015229.

Allele frequency attached by ClinVar (database versions not stated): ExAC 0.00001; gnomAD 0.00001; gnomAD exomes 0.00002; TOPMed 0.00003.
gnomAD v4.1: 45 of 1,613,528 alleles (0.0028%); highest among the groups gnomAD compares: South Asian, 0.0066%; no homozygotes.

Submissions (4):

Labcorp Genetics (formerly Invitae), Labcorp
Classification: Uncertain significance for Bardet-Biedl syndrome. Last evaluated: 2022-10-05. Review status: criteria provided, single submitter. Criteria: Invitae Variant Classification Sherloc (09022015). Collection method: clinical testing. Allele origin: germline.
Comment: This sequence change replaces threonine, which is neutral and polar, with methionine, which is neutral and non-polar, at codon 639 of the BBS7 protein (p.Thr639Met). This variant is present in population databases (rs773771144, gnomAD 0.006%). This variant has not been reported in the literature in individuals affected with BBS7-related conditions. ClinVar contains an entry for this variant (Variation ID: 1489640). Advanced modeling of protein sequence and biophysical properties (such as structural, functional, and spatial information, amino acid conservation, physicochemical variation, residue mobility, and thermodynamic stability) performed at Invitae indicates that this missense variant is not expected to disrupt BBS7 protein function. In summary, the available evidence is currently insufficient to determine the role of this variant in disease. Therefore, it has been classified as a Variant of Uncertain Significance.

Fulgent Genetics
Classification: Uncertain significance for Bardet-Biedl syndrome 7. Last evaluated: 2021-11-22. Review status: criteria provided, single submitter. Criteria: ACMG Guidelines, 2015. Collection method: clinical testing. Allele origin: unknown.

Blueprint Genetics
Classification: Uncertain significance. Last evaluated: 2021-02-05. Review status: criteria provided, single submitter. Criteria: ACMG Guidelines, 2015. Collection method: clinical testing. Allele origin: germline.

PreventionGenetics, part of Exact Sciences
Classification: Uncertain significance for BBS7-related condition. Last evaluated: 2024-04-29. Review status: no assertion criteria provided. Collection method: clinical testing. Allele origin: germline. Not counted in ClinVar's aggregate classification.
Comment: The BBS7 c.1916C>T variant is predicted to result in the amino acid substitution p.Thr639Met. To our knowledge, this variant has not been reported in the literature. This variant is reported in 0.0040% of alleles in individuals of European (Finnish) descent in gnomAD. At this time, the clinical significance of this variant is uncertain due to the absence of conclusive functional and genetic evidence.

NM_176824.3(BBS7):c.1916C>T (p.Thr639Met)

Gene: BBS7 (Bardet-Biedl syndrome 7; minus strand). Cytogenetic location: 4q27.
Variant type: single nucleotide variant.
Coding change: c.1916C>T on transcript NM_176824.3 (MANE Select); coding-DNA position 1916, C replaced by T.
Protein change: p.Thr639Met; replaces threonine 639 with methionine.
Molecular consequence: missense variant.
Genome position (GRCh38, 1-based): chr4:121,828,244, G>A on the plus strand (C>T on the coding strand, the complement: BBS7 is on the minus strand). VCF-style: chr4-121828244-G-A. GRCh37 (hg19) VCF-style: chr4-122749399-G-A.
Other names: c.1916C>T (NM_176824.2); c.1916C>T, p.Thr639Met (NM_018190.4); short protein forms T639M.
Identifiers: ClinVar variation 1489640 (VCV001489640.6), dbSNP rs773771144, ClinGen allele CA3064091.
Genomic context (GRCh38, chr4:121,828,244, plus strand): 5'-TCTTCCTGTAGGTGATCTGCCTCTTCTAGAATACAGTGATATTCTGGTATCAGAAAGTTC[G>A]TATTTCCCTCATGAATCTGTAATTCCTATTTAAAATGAAAAACAGAAGCACCTTAATATT-3'
Protein context (NP_789794.1, residues 629-649): LKELQIHEGN[Thr639Met]NFLIPEYHCI